The following is an entry in ClinVar:

ClinVar aggregate classification (germline): Likely benign (1 of 4 stars; one submission).

gnomAD v4.1: 5,873 of 1,321,602 alleles (0.44%); highest among the groups gnomAD compares: Non-Finnish European, 0.54%; 24 homozygotes.

Submission:

CeGaT Center for Human Genetics Tuebingen
Classification: Likely benign. Last evaluated: 2026-04-01. Review status: criteria provided, single submitter. Criteria: CeGaT Center For Human Genetics Tuebingen Variant Classification Criteria Version 2. Collection method: clinical testing. Allele origin: germline. Affected: yes. Observed: 1 variant allele.
Comment: CAPNS1: BP4, BP7, BS2

NM_001749.4(CAPNS1):c.111G>A (p.Gly37=)

Gene: CAPNS1 (calpain small subunit 1; plus strand). Cytogenetic location: 19q13.12.
Variant type: single nucleotide variant.
Coding change: c.111G>A on transcript NM_001749.4 (MANE Select); coding-DNA position 111, G replaced by A.
Protein change: p.Gly37=; no amino-acid change (glycine 37 retained).
Molecular consequence: synonymous variant. On other transcripts: 5 prime UTR variant (1).
Genome position (GRCh38, 1-based): chr19:36,141,122, G>A. VCF-style: chr19-36141122-G-A. GRCh37 (hg19) VCF-style: chr19-36632024-G-A.
Other names: c.111G>A, p.Gly37= (NM_001003962.3, NM_001302632.2); c.-570G>A (NM_001302633.2).
Identifiers: ClinVar variation 4872139 (VCV004872139.2).